The following is an entry in ClinVar:

NM_004985.5(KRAS):c.39C>T (p.Gly13=)

Gene: KRAS (KRAS proto-oncogene, GTPase; minus strand). Cytogenetic location: 12p12.1.
Variant type: single nucleotide variant.
Coding change: c.39C>T on transcript NM_004985.5 (MANE Select); coding-DNA position 39, C replaced by T.
Protein change: p.Gly13=; no amino-acid change (glycine 13 retained).
Molecular consequence: synonymous variant.
Genome position (GRCh38, 1-based): chr12:25,245,346, G>A on the plus strand (C>T on the coding strand, the complement: KRAS is on the minus strand). VCF-style: chr12-25245346-G-A. GRCh37 (hg19) VCF-style: chr12-25398280-G-A.
Other names: c.39C>T, p.Gly13= (NM_001369786.1, NM_001369787.1, NM_033360.4).
Identifiers: ClinVar variation 45125 (VCV000045125.10), dbSNP rs397517040, ClinGen allele CA135576.
Genomic context (GRCh38, chr12:25,245,346, plus strand): 5'-ATCATATTCGTCCACAAAATGATTCTGAATTAGCTGTATCGTCAAGGCACTCTTGCCTAC[G>A]CCACCAGCTCCAACTACCACAAGTTTATATTCAGTCATTTTCAGCAGGCCTTATAATAAA-3'
Protein context (NP_004976.2, residues 3-23): EYKLVVVGAG[Gly13=]VGKSALTIQL

ClinVar aggregate classification (germline): Likely benign. Review status: criteria provided, multiple submitters, no conflicts (2 of 4 stars). 5 submissions from 5 submitters: Likely benign (2). 3 of the submissions do not count toward it. Last evaluated 2025-04-04.

Conditions:
Cardiovascular phenotype. Identifiers: MedGen CN230736.
RASopathy. Also called: Noonan spectrum disorder; rasopathies. Identifiers: Orphanet 536391, MedGen C5555857, MONDO:0021060.
Non-small cell lung carcinoma (NSCLC). Also called: Non-small cell lung cancer. Identifiers: MedGen C0007131, MeSH D002289, MONDO:0005233, HP:0030358. Disease mechanism: Other.
Prostate cancer, hereditary, 1 (HPC1). Identifiers: Orphanet 1331, MedGen C4722327, MONDO:0011098, OMIM 601518.

Allele frequency attached by ClinVar (database versions not stated): gnomAD exomes below 0.00001; ExAC 0.00001.
gnomAD v4.1: 6 of 1,612,700 alleles (0.00037%); highest among the groups gnomAD compares: South Asian, 0.0033%; no homozygotes.

Submissions (5):

Labcorp Genetics (formerly Invitae), Labcorp
Classification: Likely benign for RASopathy. Last evaluated: 2025-04-04. Review status: criteria provided, single submitter. Criteria: Invitae Variant Classification Sherloc (09022015). Collection method: clinical testing. Allele origin: germline.

Ambry Genetics
Classification: Likely benign for Cardiovascular phenotype. Last evaluated: 2025-02-06. Review status: criteria provided, single submitter. Criteria: Ambry Variant Classification Scheme 2023. Collection method: clinical testing. Allele origin: germline.

Laboratory of Virology, Oncology, Biosciences and Environment, Faculty of Sciences and Techniques, Mohammedia- University Hassan II of Casablanca
Classification: Uncertain significance for Prostate cancer, hereditary, 1. Last evaluated: 2022-07-29. Review status: no assertion criteria provided. Collection method: clinical testing. Allele origin: germline. Affected: yes. Not counted in ClinVar's aggregate classification.

Department of Pathology and Laboratory Medicine, Sinai Health System
Classification: Uncertain significance. Review status: no assertion criteria provided. Collection method: clinical testing. Allele origin: unknown. Affected: yes. Observed: 1 variant allele. Study: The Canadian Open Genetics Repository (COGR). Not counted in ClinVar's aggregate classification.

Laboratory for Molecular Medicine, Mass General Brigham Personalized Medicine
Classification: Likely pathogenic for Non-small cell lung carcinoma. Last evaluated: 2011-10-12. Review status: flagged submission. Criteria: LMM Criteria. Collection method: clinical testing. Allele origin: somatic. Observed: 2 variant alleles. Not counted in ClinVar's aggregate classification.
Comment: DNA sequencing of KRAS identified the variants listed above. From this test, we are unable to determine if these variants occur on the same chromosome (in cis) or on different chromosomes (in trans; as listed above). The Gly13Val variant h as been reported in 1 lung adenocarcinoma that did not respond to TKI treatment (Marchetti 2009; COSMIC). The Gly13Gly variant has not been reported in a lung t umor, but has been seen in several other tumor sites, including pancreas and lar ge intestine (COSMIC). If the two variants occur on the same chromosome (in cis) , the resulting variant would be 38_39delinsTT (Gly13Val), which has been previo usly identified in 2 lung carcinomas (COSMIC). Somatic KRAS variants have been a ssociated with resistance to EGFR TKIs (Pao 2005).
ClinVar note: Notes: Submission appears to be for a different variant at this residue.
ClinVar note: Reason: Other submission error